The following is an entry in ClinVar:

ClinVar aggregate classification (germline): Pathogenic (1 of 4 stars; one submission).

Submission:

Labcorp Genetics (formerly Invitae), Labcorp
Classification: Pathogenic. Last evaluated: 2022-08-30. Review status: criteria provided, single submitter. Criteria: Invitae Variant Classification Sherloc (09022015). Collection method: clinical testing. Allele origin: germline.
Comment: For these reasons, this variant has been classified as Pathogenic. This variant has not been reported in the literature in individuals affected with TTC37-related conditions. This variant is not present in population databases (gnomAD no frequency). This sequence change creates a premature translational stop signal (p.Gln1293*) in the TTC37 gene. It is expected to result in an absent or disrupted protein product. Loss-of-function variants in TTC37 are known to be pathogenic (PMID: 20176027, 21120949).

Literature cited by the submitters: PubMed 20176027; PubMed 21120949.

NM_014639.4(SKIC3):c.3877C>T (p.Gln1293Ter)

Gene: SKIC3 (SKI3 subunit of superkiller complex; minus strand). Cytogenetic location: 5q15.
Variant type: single nucleotide variant.
Coding change: c.3877C>T on transcript NM_014639.4 (MANE Select); coding-DNA position 3877, C replaced by T.
Protein change: p.Gln1293Ter; replaces glutamine 1293 with a stop codon.
Molecular consequence: nonsense.
Genome position (GRCh38, 1-based): chr5:95,490,962, G>A on the plus strand (C>T on the coding strand, the complement: SKIC3 is on the minus strand). VCF-style: chr5-95490962-G-A. GRCh37 (hg19) VCF-style: chr5-94826666-G-A.
Other names: short protein forms Q1293*.
Identifiers: ClinVar variation 2027944 (VCV002027944.4), dbSNP rs2530705873, ClinGen allele CA360447765.